The following is an entry in ClinVar:

ClinVar aggregate classification (germline): Uncertain significance (1 of 4 stars; one submission).

Conditions:
HYPERHOMOCYSTEINEMIA, THROMBOTIC, CBS-RELATED. Identifiers: MedGen C3150344, OMIM 236200.

Submission:

Labcorp Genetics (formerly Invitae), Labcorp
Classification: Uncertain significance for HYPERHOMOCYSTEINEMIA, THROMBOTIC, CBS-RELATED. Last evaluated: 2018-02-14. Review status: criteria provided, single submitter. Criteria: Invitae Variant Classification Sherloc (09022015). Collection method: clinical testing. Allele origin: germline.
Comment: This sequence change falls in intron 3 of the CBS gene. It does not directly change the encoded amino acid sequence of the CBS protein, but it affects a nucleotide within the consensus splice site of the intron. This variant is not present in population databases (ExAC no frequency). This variant has not been reported in the literature in individuals with CBS-related disease. Nucleotide substitutions within the consensus splice site are a relatively common cause of aberrant splicing (PMID: 17576681, 9536098). Algorithms developed to predict the effect of sequence changes on RNA splicing suggest that this variant may disrupt the consensus splice site, but this prediction has not been confirmed by published transcriptional studies. In summary, the available evidence is currently insufficient to determine the role of this variant in disease. Therefore, it has been classified as a Variant of Uncertain Significance.

Literature cited by the submitters: PubMed 17576681; PubMed 9536098.

NM_000071.3(CBS):c.209+5G>C

Gene: CBS (cystathionine beta-synthase; minus strand). Cytogenetic location: 21q22.3.
Variant type: single nucleotide variant.
Coding change: c.209+5G>C on transcript NM_000071.3 (MANE Select); 5 bases into the intron after coding-DNA position 209, G replaced by C.
Molecular consequence: intron variant.
Genome position (GRCh38, 1-based): chr21:43,071,980, C>G on the plus strand (G>C on the coding strand, the complement: CBS is on the minus strand). VCF-style: chr21-43071980-C-G. GRCh37 (hg19) VCF-style: chr21-44492090-C-G.
Other names: c.209+5G>C (NM_001320298.2, NM_001178009.3, NM_001178008.3).
Identifiers: ClinVar variation 538696 (VCV000538696.8), dbSNP rs1555876750, ClinGen allele CA658799456.
Genomic context (GRCh38, chr21:43,071,980, plus strand): 5'-CAGGTAACAAACTCCTGCCCTCCAGGTTATGGATCAGCCCTCTTGTGATCAAAAGCAGGA[C>G]TTACGGGGCAGTGTGGTGATGTGGGGACTCGGAGGCAGGCCGGCCCAGCTGCCAGGTGCA-3'